The following is an entry in ClinVar:

ClinVar aggregate classification (germline): Likely pathogenic (1 of 4 stars; one submission).

Conditions:
Junctional epidermolysis bullosa. Identifiers: Orphanet 305, MedGen C0079301, MONDO:0017612.

Submission:

Myriad Genetics, Inc.
Classification: Likely pathogenic for Junctional epidermolysis bullosa. Last evaluated: 2021-12-17. Review status: criteria provided, single submitter. Criteria: Myriad Autosomal Dominant, Autosomal Recessive and X-Linked Classification Criteria (2023). Collection method: clinical testing. Allele origin: unknown.
Comment: NM_000228.2(LAMB3):c.981delT(F327Lfs*69) is expected to be pathogenic in the context of junctional epidermolysis bullosa, LAMB3-related. This variant is predicted to lead to an abnormal or absent protein product due to the creation of a premature termination codon in LAMB3, a gene where loss-of-function variants are known to be pathogenic. Please note: this variant was assessed in the context of healthy population screening.

NM_000228.3(LAMB3):c.981del (p.Phe327fs)

Gene: LAMB3 (laminin subunit beta 3; minus strand). Cytogenetic location: 1q32.2.
Variant type: Deletion.
Coding change: c.981del on transcript NM_000228.3 (MANE Select); coding-DNA position 981, one base deleted (T; older notation c.981delT).
Protein change: p.Phe327fs; shifts the reading frame from phenylalanine 327.
Molecular consequence: frameshift variant.
Genome position (GRCh38, 1-based): chr1:209,629,888, A deleted on the plus strand (T on the coding strand, the reverse complement: LAMB3 is on the minus strand); the first of 3 consecutive A bases (chr1:209,629,888-209,629,890); deleting any one gives the same sequence. VCF-style (leftmost placement, unchanged base first): chr1-209629887-CA-C. GRCh37 (hg19) VCF-style: chr1-209803232-CA-C.
Other names: c.981del, p.Phe327fs (NM_001017402.2, NM_001127641.1); short protein forms F327fs.
Identifiers: ClinVar variation 1726411 (VCV001726411.3), dbSNP rs2464849694, ClinGen allele CA2580062012.